The following is an entry in ClinVar:

NM_001006658.3(CR2):c.2873C>T (p.Thr958Ile)

Gene: CR2 (complement C3d receptor 2; plus strand). Cytogenetic location: 1q32.2.
Variant type: single nucleotide variant.
Coding change: c.2873C>T on transcript NM_001006658.3 (MANE Select); coding-DNA position 2873, C replaced by T.
Protein change: p.Thr958Ile; replaces threonine 958 with isoleucine.
Molecular consequence: missense variant.
Genome position (GRCh38, 1-based): chr1:207,476,390, C>T. VCF-style: chr1-207476390-C-T. GRCh37 (hg19) VCF-style: chr1-207649735-C-T.
Other names: c.2696C>T, p.Thr899Ile (NM_001877.5); short protein forms T958I, T899I.
Identifiers: ClinVar variation 842789 (VCV000842789.9), dbSNP rs762306518, ClinGen allele CA1369080.
Genomic context (GRCh38, chr1:207,476,390, plus strand): 5'-GCTGTGACCAAGGCTACCTGCTGGTGGGAGAGGCACTCCTTCTTTGCACACATGAGGGAA[C>T]CTGGAGCCAACCTGCCCCTCATTGTAAAGGTGCTTTGTCTATTTTTTATTCTTATTTTTA-3'
Protein context (NP_001006659.1, residues 948-968): EALLLCTHEG[Thr958Ile]WSQPAPHCKE

ClinVar aggregate classification (germline): Uncertain significance. Review status: criteria provided, multiple submitters, no conflicts (2 of 4 stars). 3 submissions from 3 submitters: Uncertain significance (3). Last evaluated 2024-01-22.

Conditions:
Inborn genetic diseases. Identifiers: MedGen C0950123, MeSH D030342.
Immunodeficiency, common variable, 7. Identifiers: Orphanet 1572, Orphanet 696894, MedGen C3542922, MONDO:0013862, OMIM 614699.

Allele frequency attached by ClinVar (database versions not stated): gnomAD exomes 0.00001; ExAC 0.00002; gnomAD 0.00004; TOPMed 0.00011.
gnomAD v4.1: 13 of 1,613,620 alleles (0.00081%); highest among the groups gnomAD compares: Admixed American, 0.018%; no homozygotes.

Submissions (3):

Labcorp Genetics (formerly Invitae), Labcorp
Classification: Uncertain significance for Immunodeficiency, common variable, 7. Last evaluated: 2024-01-22. Review status: criteria provided, single submitter. Criteria: Invitae Variant Classification Sherloc (09022015). Collection method: clinical testing. Allele origin: germline.
Comment: This sequence change replaces threonine, which is neutral and polar, with isoleucine, which is neutral and non-polar, at codon 958 of the CR2 protein (p.Thr958Ile). This variant is present in population databases (rs762306518, gnomAD 0.004%). This variant has not been reported in the literature in individuals affected with CR2-related conditions. ClinVar contains an entry for this variant (Variation ID: 842789). Algorithms developed to predict the effect of missense changes on protein structure and function output the following: SIFT: "Not Available"; PolyPhen-2: "Benign"; Align-GVGD: "Not Available". The isoleucine amino acid residue is found in multiple mammalian species, which suggests that this missense change does not adversely affect protein function. In summary, the available evidence is currently insufficient to determine the role of this variant in disease. Therefore, it has been classified as a Variant of Uncertain Significance.

Ambry Genetics
Classification: Uncertain significance for Inborn genetic diseases. Last evaluated: 2023-12-12. Review status: criteria provided, single submitter. Criteria: Ambry Variant Classification Scheme 2023. Collection method: clinical testing. Allele origin: germline.

Blueprint Genetics
Classification: Uncertain significance. Last evaluated: 2021-03-13. Review status: criteria provided, single submitter. Criteria: ACMG Guidelines, 2015. Collection method: clinical testing. Allele origin: germline.